The following is an entry in ClinVar:

ClinVar aggregate classification (germline): Uncertain significance. Review status: criteria provided, multiple submitters, no conflicts (2 of 4 stars). 2 submissions from 2 submitters: Uncertain significance (2). Last evaluated 2026-01-01.

Submissions (2):

Labcorp Genetics (formerly Invitae), Labcorp
Classification: Uncertain significance. Last evaluated: 2026-01-01. Review status: criteria provided, single submitter. Criteria: Invitae Variant Classification Sherloc (09022015). Collection method: clinical testing. Allele origin: germline.
Comment: This sequence change replaces isoleucine, which is neutral and non-polar, with methionine, which is neutral and non-polar, at codon 625 of the IMPG1 protein (p.Ile625Met). This variant is not present in population databases (gnomAD no frequency). This missense change has been observed in individual(s) with IMPG1-related conditions (PMID: 32817297). An algorithm developed to predict the effect of missense changes on protein structure and function (PolyPhen-2) suggests that this variant is likely to be disruptive. In summary, the available evidence is currently insufficient to determine the role of this variant in disease. Therefore, it has been classified as a Variant of Uncertain Significance.

Blueprint Genetics
Classification: Uncertain significance. Last evaluated: 2022-02-01. Review status: criteria provided, single submitter. Criteria: ACMG Guidelines, 2015. Collection method: clinical testing. Allele origin: germline.

Literature cited by the submitters: PubMed 32817297 (cited by Labcorp Genetics (formerly Invitae), Labcorp).

NM_001563.4(IMPG1):c.1875A>G (p.Ile625Met)

Gene: IMPG1 (interphotoreceptor matrix proteoglycan 1; minus strand). Cytogenetic location: 6q14.1.
Variant type: single nucleotide variant.
Coding change: c.1875A>G on transcript NM_001563.4 (MANE Select); coding-DNA position 1875, A replaced by G.
Protein change: p.Ile625Met; replaces isoleucine 625 with methionine.
Molecular consequence: missense variant.
Genome position (GRCh38, 1-based): chr6:75,947,483, T>C on the plus strand (A>G on the coding strand, the complement: IMPG1 is on the minus strand). VCF-style: chr6-75947483-T-C. GRCh37 (hg19) VCF-style: chr6-76657200-T-C.
Other names: c.1641A>G, p.Ile547Met (NM_001282368.2); short protein forms I625M, I547M.
Identifiers: ClinVar variation 4763796 (VCV004763796.2).
Genomic context (GRCh38, chr6:75,947,483, plus strand): 5'-CACTGACTTAGCAAACTTCATTTTGCTATTCACAATCACACTCCCGTTTCTGAAGTTAAG[T>C]ATTTCAAGTTGCTTAAATCCTGTAAGATTGGATCGTAGATATGGAACCAGCTGCAAAATA-3'
Protein context (NP_001554.2, residues 615-635): SNLTGFKQLE[Ile625Met]LNFRNGSVIV